The following is an entry in ClinVar:

NM_080628.3(TLDC2):c.294G>C (p.Glu98Asp)

Gene: TLDC2 (TBC/LysM-associated domain containing 2; plus strand). Cytogenetic location: 20q11.23.
Variant type: single nucleotide variant.
Coding change: c.294G>C on transcript NM_080628.3 (MANE Select); coding-DNA position 294, G replaced by C.
Protein change: p.Glu98Asp; replaces glutamic acid 98 with aspartic acid.
Molecular consequence: missense variant.
Genome position (GRCh38, 1-based): chr20:36,879,145, G>C. VCF-style: chr20-36879145-G-C. GRCh37 (hg19) VCF-style: chr20-35507548-G-C.
Other names: c.294G>C, p.Glu98Asp (NM_001304783.1); short protein forms E98D.
Identifiers: ClinVar variation 2652302 (VCV002652302.24), dbSNP rs150132663, ClinGen allele CA9844225.

ClinVar aggregate classification (germline): Likely benign (1 of 4 stars; one submission).

Allele frequency attached by ClinVar (database versions not stated): 1000 Genomes Project 30x 0.00094; 1000 Genomes Project 0.00120; TOPMed 0.00266; ExAC 0.00284; gnomAD 0.00307; ESP Exome Variant Server 0.00361.
gnomAD v4.1: 7,459 of 1,614,052 alleles (0.46%); highest among the groups gnomAD compares: Non-Finnish European, 0.57%; 31 homozygotes.

Submission:

CeGaT Center for Human Genetics Tuebingen
Classification: Likely benign. Last evaluated: 2022-11-01. Review status: criteria provided, single submitter. Criteria: CeGaT Center For Human Genetics Tuebingen Variant Classification Criteria Version 2. Collection method: clinical testing. Allele origin: germline. Affected: yes. Observed: 1 variant allele.
Comment: TLDC2: BP4, BS2